The following is an entry in ClinVar:

ClinVar aggregate classification (germline): Uncertain significance (1 of 4 stars; one submission).

Conditions:
Ehlers-Danlos syndrome, dermatosparaxis type. Also called: Dermatosparaxis; Ehlers-Danlos syndrome, type VII, autosomal recessive; EDS VIIC. Identifiers: Orphanet 1901, MedGen C2700425, MONDO:0009161, OMIM 225410.

Submission:

Labcorp Genetics (formerly Invitae), Labcorp
Classification: Uncertain significance for Ehlers-Danlos syndrome, dermatosparaxis type. Last evaluated: 2022-05-03. Review status: criteria provided, single submitter. Criteria: Invitae Variant Classification Sherloc (09022015). Collection method: clinical testing. Allele origin: germline.
Comment: This sequence change replaces proline, which is neutral and non-polar, with phenylalanine, which is neutral and non-polar, at codon 1177 of the ADAMTS2 protein (p.Pro1177Phe). The frequency data for this variant in the population databases is considered unreliable, as metrics indicate poor data quality at this position in the gnomAD database. This variant has not been reported in the literature in individuals affected with ADAMTS2-related conditions. Algorithms developed to predict the effect of missense changes on protein structure and function are either unavailable or do not agree on the potential impact of this missense change (SIFT: "Not Available"; PolyPhen-2: "Benign"; Align-GVGD: "Not Available"). In summary, the available evidence is currently insufficient to determine the role of this variant in disease. Therefore, it has been classified as a Variant of Uncertain Significance.

NM_014244.5(ADAMTS2):c.3529_3530delinsTT (p.Pro1177Phe)

Gene: ADAMTS2 (ADAM metallopeptidase with thrombospondin type 1 motif 2; minus strand). Cytogenetic location: 5q35.3.
Variant type: Indel.
Coding change: c.3529_3530delinsTT on transcript NM_014244.5 (MANE Select); coding-DNA positions 3529 to 3530, CC replaced by TT.
Protein change: p.Pro1177Phe; replaces proline 1177 with phenylalanine.
Molecular consequence: missense variant.
Genome position (GRCh38, 1-based): chr5:179,113,973-179,113,974, GG replaced by AA on the plus strand (CC replaced by TT on the coding strand, the reverse complement: ADAMTS2 is on the minus strand). VCF-style: chr5-179113973-GG-AA. GRCh37 (hg19) VCF-style: chr5-178540974-GG-AA.
Other names: short protein forms P1177F.
Identifiers: ClinVar variation 1503028 (VCV001503028.5), dbSNP rs2113161027, ClinGen allele CA2573139414.